The following is an entry in ClinVar:

ClinVar aggregate classification (germline): Pathogenic. Review status: reviewed by expert panel (3 of 4 stars). 22 submissions from 22 submitters: Pathogenic (1). 21 of the submissions do not count toward it. Last evaluated 2016-09-08.

Conditions:
FLG-related disorder. Also called: FLG-related disorders; FLG-related condition.
BRCA2-related cancer predisposition. Identifiers: MedGen CN377758, MONDO:0700269.
Hereditary cancer-predisposing syndrome. Also called: Hereditary Cancer Syndrome; Neoplastic Syndromes, Hereditary; Hereditary neoplastic syndrome; Tumor predisposition. Identifiers: Orphanet 140162, MedGen C0027672, MeSH D009386, MONDO:0015356.
Hereditary breast ovarian cancer syndrome. Also called: Breast and ovarian cancer; Hereditary breast and ovarian cancer syndrome; Hereditary breast and ovarian cancer syndrome (HBOC); BRCA1- and BRCA2-Associated Hereditary Breast and Ovarian Cancer; Hereditary breast and ovarian cancer; Hereditary breast and/or ovarian cancer syndrome. Identifiers: Orphanet 145, MedGen C0677776, MeSH D061325, MONDO:0003582. Disease mechanism: loss of function.
Breast-ovarian cancer, familial, susceptibility to, 2 (BROVCA2). Also called: BRCA2 Hereditary Breast and Ovarian Cancer. Identifiers: Orphanet 145, MedGen C2675520, MONDO:0012933, OMIM 612555. Disease mechanism: loss of function.
Familial cancer of breast. Also called: hereditary breast carcinoma; Hereditary breast cancer; BREAST CANCER, FAMILIAL. Identifiers: Orphanet 227535, MedGen C0346153, MONDO:0016419, OMIM 114480. Disease mechanism: loss of function.

gnomAD v4.1: 2 of 1,601,648 alleles (0.00012%); highest among the groups gnomAD compares: Non-Finnish European, 0.00017%; no homozygotes.

Submissions 1 to 10 of 22:

Evidence-based Network for the Interpretation of Germline Mutant Alleles (ENIGMA)
Classification: Pathogenic for Breast-ovarian cancer, familial, susceptibility to, 2. Last evaluated: 2016-09-08. Review status: reviewed by expert panel. Criteria: ENIGMA BRCA1/2 Classification Criteria (2015). Collection method: curation. Allele origin: germline.
Comment: Variant allele predicted to encode a truncated non-functional protein.

Hema, HEMA – Genetic and Molecular Diagnostic Laboratory
Classification: Pathogenic for BRCA2-related cancer predisposition. Last evaluated: 2026-09-14. Review status: criteria provided, single submitter. Criteria: HEMA Variant Classification Assertion Criteria. Collection method: clinical testing. Allele origin: germline. Not counted in ClinVar's aggregate classification.
Comment: Is a transversion from cytosine to adenine that results in a premature stop codon at position 1655 of BRCA2. PVS1: Null variant (nonsense) in a gene for which loss of function is a known disease mechanism. The variant c.4965C>A p.(Tyr1655Ter) in the BRCA2 gene is a nonsense variant that introduces a premature stop codon in exon 11/27, which is predicted to lead to nonsense-mediated decay (NMD) of the transcript. PM2_Supporting: Absent in gnomAD v2.1.1 non-cancer and v3.1.2 non-cancer. PM5_Strong: Variant that introduces a premature stop codon in exon 11 of the BRCA2 gene.

Women's Health and Genetics/Laboratory Corporation of America, LabCorp
Classification: Pathogenic for Hereditary breast ovarian cancer syndrome. Last evaluated: 2026-04-20. Review status: criteria provided, single submitter. Criteria: LabCorp Variant Classification Summary - May 2015. Collection method: clinical testing. Allele origin: germline. Not counted in ClinVar's aggregate classification.
Comment: Variant summary: BRCA2 c.4965C>A (p.Tyr1655X) results in a premature termination codon, predicted to cause a truncation of the encoded protein or absence of the protein due to nonsense mediated decay, which are commonly known mechanisms for disease. The variant was absent in 240078 control chromosomes. c.4965C>A has been observed in individual(s) affected with Hereditary Breast And Ovarian Cancer Syndrome. These data indicate that the variant may be associated with disease. To our knowledge, no experimental evidence demonstrating an impact on protein function has been reported. The following publications have been ascertained in the context of this evaluation (PMID: 40044664, 41412497, 41450439). ClinVar contains an entry for this variant (Variation ID: 51750). Based on the evidence outlined above, the variant was classified as pathogenic.

CeGaT Center for Human Genetics Tuebingen
Classification: Pathogenic. Last evaluated: 2025-10-01. Review status: criteria provided, single submitter. Criteria: CeGaT Center For Human Genetics Tuebingen Variant Classification Criteria Version 2. Collection method: clinical testing. Allele origin: germline. Affected: yes. Observed: 3 variant alleles. Not counted in ClinVar's aggregate classification.
Comment: BRCA2: PVS1, PM2, PS4:Moderate

Labcorp Genetics (formerly Invitae), Labcorp
Classification: Pathogenic for Hereditary breast ovarian cancer syndrome. Last evaluated: 2025-08-04. Review status: criteria provided, single submitter. Criteria: Invitae Variant Classification Sherloc (09022015). Collection method: clinical testing. Allele origin: germline. Not counted in ClinVar's aggregate classification.
Comment: This sequence change creates a premature translational stop signal (p.Tyr1655*) in the BRCA2 gene. It is expected to result in an absent or disrupted protein product. Loss-of-function variants in BRCA2 are known to be pathogenic (PMID: 20104584). This variant is not present in population databases (gnomAD no frequency). This premature translational stop signal has been observed in individual(s) with breast and/or ovarian cancer (PMID: 17688236, 20858050, 21120943, 21709188, 23569316, 24728189, 25136594, 26681312, 29446198, 29487695). ClinVar contains an entry for this variant (Variation ID: 51750). For these reasons, this variant has been classified as Pathogenic.

Baylor Genetics
Classification: Pathogenic for Familial cancer of breast. Last evaluated: 2023-09-02. Review status: criteria provided, single submitter. Criteria: ACMG Guidelines, 2015. Collection method: clinical testing. Allele origin: unknown. Not counted in ClinVar's aggregate classification.

Quest Diagnostics Nichols Institute San Juan Capistrano
Classification: Pathogenic. Last evaluated: 2023-05-22. Review status: criteria provided, single submitter. Criteria: Quest Diagnostics criteria. Collection method: clinical testing. Allele origin: unknown. Not counted in ClinVar's aggregate classification.
Comment: This variant causes the premature termination of BRCA2 protein synthesis. In the published literature, this variant has been reported in individuals and families with breast and/or ovarian cancer (PMIDs: 33471991 (2021), 29446198 (2018), 30287823 (2018), 25136594 (2014)). This variant has not been reported in large, multi-ethnic general populations (Genome Aggregation Database). Based on the available information, this variant is classified as pathogenic.

Ambry Genetics
Classification: Pathogenic for Hereditary cancer-predisposing syndrome. Last evaluated: 2023-02-27. Review status: criteria provided, single submitter. Criteria: Ambry Variant Classification Scheme 2023. Collection method: clinical testing. Allele origin: germline. Not counted in ClinVar's aggregate classification.
Comment: The p.Y1655* pathogenic mutation (also known as c.4965C>A), located in coding exon 10 of the BRCA2 gene, results from a C to A substitution at nucleotide position 4965. This changes the amino acid from a tyrosine to a stop codon within coding exon 10. In one study, this variant was observed in 1/1525 unrelated patients who had BRCA1/2 genetic testing due to a personal and/or family history suspicious for Hereditary Breast and/or Ovarian Cancer (Caux-Moncoutier V et al. Hum. Mutat., 2011 Mar;32:325-34). This alteration was also identified in a large, worldwide study of BRCA1/2 mutation positive families (Rebbeck TR et al. Hum. Mutat., 2018 05;39:593-620) and has been reported with a carrier frequency of 0.00014 in 7051 unselected breast cancer patients and 0.00000 in 11241 female controls of Japanese ancestry (Momozawa Y et al. Nat Commun, 2018 10;9:4083). This variant is considered to be rare based on population cohorts in the Genome Aggregation Database (gnomAD). In addition to the clinical data presented in the literature, this alteration is expected to result in loss of function by premature protein truncation or nonsense-mediated mRNA decay. As such, this alteration is interpreted as a disease-causing mutation.

GeneDx
Classification: Pathogenic. Last evaluated: 2022-12-21. Review status: criteria provided, single submitter. Criteria: GeneDx Variant Classification Process June 2021. Collection method: clinical testing. Allele origin: germline. Affected: yes. Not counted in ClinVar's aggregate classification.
Comment: Nonsense variant predicted to result in protein truncation or nonsense mediated decay in a gene for which loss-of-function is a known mechanism of disease; Observed in individuals with BRCA2-related cancers (Sakai 2009, Caux-Moncoutier 2011); Published functional studies support a damaging effect: sensitivity to cisplatin (Sakai 2009); Truncating variants in this gene are considered pathogenic by a well-established clinical consortium and/or database; Not observed in large population cohorts (gnomAD); Also known as 5193C>A; This variant is associated with the following publications: (PMID: 25136594, 19654294, 21120943, 25525159, 29446198, 21205087, 30287823, 32377563, 33087929)

Color Diagnostics, LLC DBA Color Health
Classification: Pathogenic for Hereditary cancer-predisposing syndrome. Last evaluated: 2020-01-15. Review status: criteria provided, single submitter. Criteria: ACMG Guidelines, 2015. Collection method: clinical testing. Allele origin: germline. Not counted in ClinVar's aggregate classification.
Comment: This variant changes 1 nucleotide in exon 11 of the BRCA2 gene, creating a premature translation stop signal. This variant is expected to result in an absent or non-functional protein product. This variant has not been identified in the general population by the Genome Aggregation Database (gnomAD). Loss of BRCA2 function is a known mechanism of disease. Based on the available evidence, this variant is classified as Pathogenic.

NM_000059.4(BRCA2):c.4965C>A (p.Tyr1655Ter)

Gene: BRCA2 (BRCA2 DNA repair associated; plus strand). Cytogenetic location: 13q13.1.
Variant type: single nucleotide variant.
Coding change: c.4965C>A on transcript NM_000059.4 (MANE Select); coding-DNA position 4965, C replaced by A.
Protein change: p.Tyr1655Ter; replaces tyrosine 1655 with a stop codon.
Molecular consequence: nonsense.
Genome position (GRCh38, 1-based): chr13:32,339,320, C>A. VCF-style: chr13-32339320-C-A. GRCh37 (hg19) VCF-style: chr13-32913457-C-A.
Other names: 5193C>A; short protein forms Y1655*.
Identifiers: ClinVar variation 51750 (VCV000051750.68), dbSNP rs80358721, ClinGen allele CA021066.
Genomic context (GRCh38, chr13:32,339,320, plus strand): 5'-GAAAGTTAAAGTACATGAAAATGTAGAAAAAGAAACAGCAAAAAGTCCTGCAACTTGTTA[C>A]ACAAATCAGTCCCCTTATTCAGTCATTGAAAATTCAGCCTTAGCTTTTTACACAAGTTGT-3'